The following is an entry in ClinVar:

ClinVar aggregate classification (germline): Uncertain significance (1 of 4 stars; one submission).

Conditions:
Catecholaminergic polymorphic ventricular tachycardia (CVPT). Also called: Catecholamine-induced polymorphic ventricular tachycardia. Identifiers: Orphanet 3286, MedGen C5574922, MONDO:0017990.

Submission:

All of Us Research Program, National Institutes of Health
Classification: Uncertain significance for Catecholaminergic polymorphic ventricular tachycardia. Last evaluated: 2023-08-15. Review status: criteria provided, single submitter. Criteria: ACMG Guidelines, 2015. Collection method: clinical testing. Allele origin: germline. Inheritance: Autosomal dominant inheritance. Observed: 1 variant allele, 1 heterozygote.
Comment: This missense variant replaces proline with leucine at codon 657 of the RYR2 protein. Computational prediction suggests that this variant may have deleterious impact on protein structure and function (internally defined REVEL score threshold >= 0.7, PMID: 27666373). To our knowledge, functional studies have not been reported for this variant. This variant has not been reported in individuals affected with RYR2-related disorders in the literature. This variant has not been identified in the general population by the Genome Aggregation Database (gnomAD). The available evidence is insufficient to determine the role of this variant in disease conclusively. Therefore, this variant is classified as a Variant of Uncertain Significance.

This study involves interpretation of variants in research participants for the purpose of population health screening. Participant phenotype was not available at the time of variant classification. Additional details can be found in publication PMID: 35346344, PMCID: PMC8962531

NM_001035.3(RYR2):c.1970C>T (p.Pro657Leu)

Gene: RYR2 (ryanodine receptor 2; plus strand). Cytogenetic location: 1q43.
Variant type: single nucleotide variant.
Coding change: c.1970C>T on transcript NM_001035.3 (MANE Select); coding-DNA position 1970, C replaced by T.
Protein change: p.Pro657Leu; replaces proline 657 with leucine.
Molecular consequence: missense variant.
Genome position (GRCh38, 1-based): chr1:237,496,519, C>T. VCF-style: chr1-237496519-C-T. GRCh37 (hg19) VCF-style: chr1-237659819-C-T.
Other names: short protein forms P657L.
Identifiers: ClinVar variation 3072780 (VCV003072780.1), dbSNP rs2545834727, ClinGen allele CA345391078.